The following is an entry in ClinVar:

ClinVar aggregate classification (germline): Uncertain significance (1 of 4 stars; one submission).

Conditions:
Inborn genetic diseases. Identifiers: MedGen C0950123, MeSH D030342.

Allele frequency attached by ClinVar (database versions not stated): gnomAD exomes below 0.00001.
gnomAD v4.1: 2 of 1,614,072 alleles (0.00012%); highest among the groups gnomAD compares: South Asian, 0.0011%; no homozygotes.

Submission:

Ambry Genetics
Classification: Uncertain significance for Inborn genetic diseases. Last evaluated: 2021-12-13. Review status: criteria provided, single submitter. Criteria: Ambry Variant Classification Scheme 2023. Collection method: clinical testing. Allele origin: germline.
Comment: The p.H664N variant (also known as c.1990C>A), located in coding exon 9 of the ATR gene, results from a C to A substitution at nucleotide position 1990. The histidine at codon 664 is replaced by asparagine, an amino acid with similar properties. This amino acid position is conserved. In addition, this alteration is predicted to be tolerated by in silico analysis. Since supporting evidence is limited at this time, the clinical significance of this alteration remains unclear.

NM_001184.4(ATR):c.1990C>A (p.His664Asn)

Gene: ATR (ATR checkpoint kinase; minus strand). Cytogenetic location: 3q23.
Variant type: single nucleotide variant.
Coding change: c.1990C>A on transcript NM_001184.4 (MANE Select); coding-DNA position 1990, C replaced by A.
Protein change: p.His664Asn; replaces histidine 664 with asparagine.
Molecular consequence: missense variant.
Genome position (GRCh38, 1-based): chr3:142,556,471, G>T on the plus strand (C>A on the coding strand, the complement: ATR is on the minus strand). VCF-style: chr3-142556471-G-T. GRCh37 (hg19) VCF-style: chr3-142275313-G-T.
Other names: c.1798C>A, p.His600Asn (NM_001354579.2); short protein forms H600N, H664N.
Identifiers: ClinVar variation 1783966 (VCV001783966.2), dbSNP rs1287036671, ClinGen allele CA354819289.
Genomic context (GRCh38, chr3:142,556,471, plus strand): 5'-AATTCTGCTGCTGCAATAAGATAAAAAATCCACTAACACAACTAGCCCGGATTACTTCAT[G>T]GGAGCTCTGCAGGGCCCAGTTGTAAACTGCTGTTCTCCACTCAAGGAATATTCTTCTTGG-3'
Protein context (NP_001175.2, residues 654-674): AVYNWALQSS[His664Asn]EVIRASCVSG